The following is an entry in ClinVar:

NM_006393.3(NEBL):c.1156A>G (p.Arg386Gly)

Gene: NEBL (nebulette; minus strand). Cytogenetic location: 10p12.31.
Variant type: single nucleotide variant.
Coding change: c.1156A>G on transcript NM_006393.3 (MANE Select); coding-DNA position 1156, A replaced by G.
Protein change: p.Arg386Gly; replaces arginine 386 with glycine.
Molecular consequence: missense variant. On other transcripts: intron variant (9).
Genome position (GRCh38, 1-based): chr10:20,845,329, T>C on the plus strand (A>G on the coding strand, the complement: NEBL is on the minus strand). VCF-style: chr10-20845329-T-C. GRCh37 (hg19) VCF-style: chr10-21134258-T-C.
Other names: c.250-32389A>G (NM_001377326.1, NM_001377327.1, NM_001377328.1); c.358-32389A>G (NM_213569.2, NM_001173484.2, NM_001377322.1); c.301-32389A>G (NM_001377324.1); c.292-32389A>G (NM_001377325.1); c.310-32389A>G (NM_001377323.1); short protein forms R386G.
Identifiers: ClinVar variation 3299117 (VCV003299117.1).

ClinVar aggregate classification (germline): Uncertain significance (1 of 4 stars; one submission).

gnomAD v4.1: 13 of 1,605,292 alleles (0.00081%); highest among the groups gnomAD compares: Admixed American, 0.0017%; no homozygotes.

Submission:

Ambry Genetics
Classification: Uncertain significance. Last evaluated: 2024-05-22. Review status: criteria provided, single submitter. Criteria: Ambry Variant Classification Scheme 2023. Collection method: clinical testing. Allele origin: germline.
Comment: The p.R386G variant (also known as c.1156A>G), located in coding exon 12 of the NEBL gene, results from an A to G substitution at nucleotide position 1156. The arginine at codon 386 is replaced by glycine, an amino acid with dissimilar properties. This amino acid position is conserved. In addition, this alteration is predicted to be tolerated by in silico analysis. Based on the available evidence, the clinical significance of this variant remains unclear.